The following is an entry in ClinVar:

NM_005379.4(MYO1A):c.2985T>C (p.Leu995=)

Gene: MYO1A (myosin IA; minus strand). Cytogenetic location: 12q13.3.
Variant type: single nucleotide variant.
Coding change: c.2985T>C on transcript NM_005379.4 (MANE Select); coding-DNA position 2985, T replaced by C.
Protein change: p.Leu995=; no amino-acid change (leucine 995 retained).
Molecular consequence: synonymous variant.
Genome position (GRCh38, 1-based): chr12:57,029,152, A>G on the plus strand (T>C on the coding strand, the complement: MYO1A is on the minus strand). VCF-style: chr12-57029152-A-G. GRCh37 (hg19) VCF-style: chr12-57422936-A-G.
Other names: c.2985T>C, p.Leu995= (NM_001256041.2).
Identifiers: ClinVar variation 309896 (VCV000309896.3), dbSNP rs201016505, ClinGen allele CA6639540.

ClinVar aggregate classification (germline): Likely benign. Review status: criteria provided, multiple submitters, no conflicts (2 of 4 stars). 2 submissions from 2 submitters: Likely benign (2). Last evaluated 2024-02-20.

Allele frequency attached by ClinVar (database versions not stated): gnomAD exomes 0.00002 and 0.00014; TOPMed 0.00013; ExAC 0.00014; 1000 Genomes Project 30x 0.00016; gnomAD 0.00016 and 0.00019; 1000 Genomes Project 0.00020.
gnomAD v4.1: 98 of 1,614,102 alleles (0.0061%); highest among the groups gnomAD compares: East Asian, 0.067%; no homozygotes.

Submissions (2):

Blueprint Genetics
Classification: Likely benign. Last evaluated: 2024-02-20. Review status: criteria provided, single submitter. Criteria: ACMG Guidelines, 2015. Collection method: clinical testing. Allele origin: germline.

GeneDx
Classification: Likely benign. Last evaluated: 2018-04-27. Review status: criteria provided, single submitter. Criteria: GeneDx Variant Classification (06012015). Collection method: clinical testing. Allele origin: germline. Affected: yes.
Comment: This variant is considered likely benign or benign based on one or more of the following criteria: it is a conservative change, it occurs at a poorly conserved position in the protein, it is predicted to be benign by multiple in silico algorithms, and/or has population frequency not consistent with disease.